The following is an entry in ClinVar:

ClinVar aggregate classification (somatic clinical impact): Tier I - Strong (1 of 4 stars; one submission).

Conditions:
Diffuse midline glioma, H3 K27M-mutant. Identifiers: MedGen C4289688, MONDO:0957196.

Submission:

Institute for Genomic Medicine (IGM) Clinical Laboratory, Nationwide Children's Hospital
Classification: Tier I - Strong for Diffuse midline glioma, H3 K27M-mutant. Assertion type: diagnostic. Clinical significance: supports diagnosis. Last evaluated: 2024-07-02. Review status: criteria provided, single submitter. Criteria: AMP/ASCO/CAP Guidelines, 2017. Collection method: clinical testing. Allele origin: somatic. Affected: yes.
Comment: Variant has Tier I (strong) clinical significance as a diagnostic inclusion criterion in diffuse midline glioma, H3 K27M-mutant, based on the following evidence: 1) Documented in one or more cancer databases (e.g., St. Jude Pecan, COSMIC, CIViC, OncoKB). 2) Appears in one or more well-established professional guidelines (e.g., World Health Organization [WHO]; National Comprehensive Cancer Network [NCCN]) as providing diagnostic, prognostic, or therapeutic information. 3) Diagnostic for a specific tumor type/classification based on well-powered studies with expert-level consensus (Evidence Level B; PMIDs: 27048880, 28966033, 29967352, 31348837, 32555164, 32680567).

Literature cited by the submitters: PubMed 27048880; PubMed 28966033; PubMed 29967352; PubMed 31348837; PubMed 32555164; PubMed 32680567.

NM_181523.3(PIK3R1):c.1209_1217del (p.Glu403_Asn406delinsAsp)

Gene: PIK3R1 (phosphoinositide-3-kinase regulatory subunit 1; plus strand). Cytogenetic location: 5q13.1.
Variant type: Deletion.
Coding change: c.1209_1217del on transcript NM_181523.3 (MANE Select); coding-DNA positions 1209 to 1217, 9 bases deleted (ATTAATAAA; older notation c.1209_1217delATTAATAAA).
Protein change: p.Glu403_Asn406delinsAsp.
Molecular consequence: inframe indel.
Genome position (GRCh38, 1-based): chr5:68,293,393-68,293,401, ATTAATAAA deleted; deleting any 9 consecutive bases within chr5:68,293,392-68,293,401 gives the same sequence; the c. name uses the placement nearest the transcript's 3' end. VCF-style (leftmost placement, unchanged base first): chr5-68293391-GAATTAATAA-G. GRCh37 (hg19) VCF-style: chr5-67589219-GAATTAATAA-G.
Other names: c.120_128del, p.Glu40_Asn43delinsAsp (NM_001242466.2); c.399_407del, p.Glu133_Asn136delinsAsp (NM_181504.4); c.309_317del, p.Glu103_Asn106delinsAsp (NM_181524.2).
Identifiers: ClinVar variation 4530384 (VCV004530384.1).